The following is an entry in ClinVar:

NM_018368.4(LMBRD1):c.125G>A (p.Ser42Asn)

Gene: LMBRD1 (LMBR1 domain containing 1; minus strand). Cytogenetic location: 6q13.
Variant type: single nucleotide variant.
Coding change: c.125G>A on transcript NM_018368.4 (MANE Select); coding-DNA position 125, G replaced by A.
Protein change: p.Ser42Asn; replaces serine 42 with asparagine.
Molecular consequence: missense variant. On other transcripts: 5 prime UTR variant (3).
Genome position (GRCh38, 1-based): chr6:69,790,417, C>T on the plus strand (G>A on the coding strand, the complement: LMBRD1 is on the minus strand). VCF-style: chr6-69790417-C-T. GRCh37 (hg19) VCF-style: chr6-70500309-C-T.
Other names: c.-95G>A (NM_001363722.2, NM_001367271.1, NM_001367272.1); c.125G>A (NM_018368.3); short protein forms S42N.
Identifiers: ClinVar variation 1913804 (VCV001913804.6), dbSNP rs200444411, ClinGen allele CA141188866.

ClinVar aggregate classification (germline): Uncertain significance. Review status: criteria provided, multiple submitters, no conflicts (2 of 4 stars). 2 submissions from 2 submitters: Uncertain significance (2). Last evaluated 2025-01-07.

Conditions:
Inborn genetic diseases. Identifiers: MedGen C0950123, MeSH D030342.
Methylmalonic aciduria and homocystinuria type cblF. Also called: COBALAMIN F DISEASE; COBALAMIN, DEFECT IN LYSOSOMAL RELEASE OF; METHYLMALONIC ACIDEMIA AND HOMOCYSTINURIA, cblF TYPE; METHYLMALONIC ACIDURIA DUE TO VITAMIN B12-RELEASE DEFECT; VITAMIN B12 LYSOSOMAL RELEASE DEFECT; VITAMIN B12 STORAGE DISEASE. Identifiers: Orphanet 79284, MedGen C1848578, MONDO:0010183, OMIM 277380.

Allele frequency attached by ClinVar (database versions not stated): gnomAD exomes 0.00001.
gnomAD v4.1: 3 of 1,614,066 alleles (0.00019%); highest among the groups gnomAD compares: Non-Finnish European, 0.00025%; 1 homozygote.

Submissions (2):

Ambry Genetics
Classification: Uncertain significance for Inborn genetic diseases. Last evaluated: 2025-01-07. Review status: criteria provided, single submitter. Criteria: Ambry Variant Classification Scheme 2023. Collection method: clinical testing. Allele origin: germline.

Labcorp Genetics (formerly Invitae), Labcorp
Classification: Uncertain significance for Methylmalonic aciduria and homocystinuria type cblF. Last evaluated: 2022-05-14. Review status: criteria provided, single submitter. Criteria: Invitae Variant Classification Sherloc (09022015). Collection method: clinical testing. Allele origin: germline.
Comment: This sequence change replaces serine, which is neutral and polar, with asparagine, which is neutral and polar, at codon 42 of the LMBRD1 protein (p.Ser42Asn). This variant is not present in population databases (gnomAD no frequency). This variant has not been reported in the literature in individuals affected with LMBRD1-related conditions. Algorithms developed to predict the effect of missense changes on protein structure and function (SIFT, PolyPhen-2, Align-GVGD) all suggest that this variant is likely to be disruptive. In summary, the available evidence is currently insufficient to determine the role of this variant in disease. Therefore, it has been classified as a Variant of Uncertain Significance.